The following is an entry in ClinVar:

ClinVar aggregate classification (germline): Pathogenic/Likely pathogenic. Review status: criteria provided, multiple submitters, no conflicts (2 of 4 stars). 10 submissions from 9 submitters: Pathogenic (8); Likely pathogenic (1). 1 of the submissions does not count toward it. Last evaluated 2025-12-10.

Conditions:
PEX1-related disorder. Also called: PEX1-related condition.
Peroxisome biogenesis disorder 1B (PBD1B). Also called: PEROXISOME BIOGENESIS DISORDER (NEONATAL ADRENOLEUKODYSTROPHY/INFANTILE REFSUM DISEASE); INFANTILE PHYTANIC ACID STORAGE DISEASE; PEROXISOME BIOGENESIS DISORDER (NALD/IRD); ADRENOLEUKODYSTROPHY, AUTOSOMAL NEONATAL; Refsum disease, infantile form; Infantile Refsum disease. Identifiers: Orphanet 44, MedGen C0282527, MONDO:0011101, OMIM 601539.
Peroxisome biogenesis disorder 1A (Zellweger) (PBD1A). Also called: Peroxisome biogenesis disorder 1a; Zellweger leukodystrophy. Identifiers: MedGen C4721541, MONDO:0008953, OMIM 214100.
Heimler syndrome 1 (HMLR1). Also called: PEROXISOME BIOGENESIS DISORDER 1C. Identifiers: Orphanet 3220, MedGen C4551980, OMIM 234580, MONDO:0024544.
Zellweger spectrum disorders (ZS). Also called: Zellweger syndrome; Zellweger Spectrum Disorder; Zellweger Spectrum; Zellweger Spectrum Disorder (ZSD). Identifiers: Orphanet 912, MedGen C0043459, MONDO:0019609.
Cholestasis. Identifiers: MedGen C0008370, MONDO:0001751, HP:0001396.
Peroxisome biogenesis disorder. Identifiers: Orphanet 79189, MedGen C1832200, MONDO:0019234. Disease mechanism: loss of function.

Submissions (10):

PreventionGenetics, part of Exact Sciences
Classification: Pathogenic for PEX1-related condition. Last evaluated: 2025-12-10. Review status: criteria provided, single submitter. Criteria: ACMG Guidelines, 2015. Collection method: clinical testing. Allele origin: germline.
Comment: The PEX1 c.3693_3696delGTCA variant is predicted to result in a frameshift and premature protein termination (p.Gln1231Hisfs*3). This variant has been reported in the homozygous state in an individual with Zellweger syndrome (Rosewich et al. 2005. PubMed ID: 16141001) and in the heterozygous state with another loss of function PEX1 variant in a second Zellweger patient (Yik et al. 2009. PubMed ID: 19105186). This variant is reported in 0.018% of alleles in individuals of African descent in gnomAD. Frameshift variants in PEX1 are expected to be pathogenic. This variant is interpreted as pathogenic.

Natera, Inc.
Classification: Pathogenic for Zellweger syndrome. Last evaluated: 2025-08-30. Review status: criteria provided, single submitter. Criteria: Natera Variant Classification Schema (03/2026). Collection method: clinical testing. Allele origin: germline.
Comment: The c.3693_3696delGTCA variant in PEX1 is a frameshift variant predicted to shift the reading frame beginning at codon 1231 and leads to a stop codon 3 codons downstream. This variant is expected to result in nonsense mediated decay, truncation, or a dysfunctional protein product. This variant is rare in the general population with a frequency below the threshold expected for the associated phenotype(s). This variant has been observed in one or more individuals affected with the associated recessive disease, as either homozygous or compound heterozygous with a second variant (PMID: 19105186). Given the available evidence, this variant is classified as Pathogenic.

Labcorp Genetics (formerly Invitae), Labcorp
Classification: Pathogenic for Zellweger spectrum disorders. Last evaluated: 2025-02-10. Review status: criteria provided, single submitter. Criteria: Invitae Variant Classification Sherloc (09022015). Collection method: clinical testing. Allele origin: germline.
Comment: This sequence change creates a premature translational stop signal (p.Gln1231Hisfs*3) in the PEX1 gene. It is expected to result in an absent or disrupted protein product. Loss-of-function variants in PEX1 are known to be pathogenic (PMID: 21031596, 26387595, 31831025). This variant is present in population databases (rs769836601, gnomAD 0.01%). This premature translational stop signal has been observed in individuals with Zellweger syndrome spectrum disorder (PMID: 16141001, 19105186). This variant is also known as c.3691_3694delCAGT. ClinVar contains an entry for this variant (Variation ID: 188981). For these reasons, this variant has been classified as Pathogenic.

Institute Of Liver Studies, NHS South East Genomic Laboratory Hub
Classification: Likely pathogenic for Cholestasis. Last evaluated: 2024-08-27. Review status: criteria provided, single submitter. Criteria: ACGS Best Practice Guidelines for Variant Classification in Rare Disease 2020. Collection method: clinical testing. Allele origin: germline. Affected: yes.

Fulgent Genetics
Classification: Pathogenic for Peroxisome biogenesis disorder 1A (Zellweger); Heimler syndrome 1; Peroxisome biogenesis disorder 1B. Last evaluated: 2024-04-30. Review status: criteria provided, single submitter. Criteria: ACMG Guidelines, 2015. Collection method: clinical testing. Allele origin: germline.

Baylor Genetics
Classification: Pathogenic for Heimler syndrome 1. Last evaluated: 2024-01-03. Review status: criteria provided, single submitter. Criteria: ACMG Guidelines, 2015. Collection method: clinical testing. Allele origin: unknown.

Women's Health and Genetics/Laboratory Corporation of America, LabCorp
Classification: Pathogenic for Peroxisome biogenesis disorder. Last evaluated: 2021-04-20. Review status: criteria provided, single submitter. Criteria: LabCorp Variant Classification Summary - May 2015. Collection method: clinical testing. Allele origin: germline.
Comment: Variant summary: PEX1 c.3693_3696delGTCA (p.Gln1231HisfsX3) results in a premature termination codon, predicted to cause a truncation of the encoded protein or absence of the protein due to nonsense mediated decay, which are commonly known mechanisms for disease. The variant allele was found at a frequency of 2e-05 in 250994 control chromosomes. c.3693_3696delGTCA has been reported in the literature in individuals affected with Zellweger Syndrome and subsequently cited by others (example, Rosewich_2005, Yik_2009, Lu_2021). Two clinical diagnostic laboratories have submitted clinical-significance assessments for this variant to ClinVar after 2014 without evidence for independent evaluation. All laboratories classified the variant as pathogenic. Based on the evidence outlined above, the variant was classified as pathogenic.

GeneDx
Classification: Pathogenic. Last evaluated: 2019-01-22. Review status: criteria provided, single submitter. Criteria: GeneDx Variant Classification (06012015). Collection method: clinical testing. Allele origin: germline. Affected: yes.
Comment: The c.3693_3696delGTCA variant in the PEX1 gene has been reported previously in the homozygous state and with another PEX1 gene variant, in unrelated individuals with Zellweger syndrome (Rosewich et al., 2005; Yik et al., 2009). The c.3693_3696delGTCA variant causes a frameshift starting with codon Glutamine 1231, changes this amino acid to a Histidine residue, and creates a premature Stop codon at position 3 of the new reading frame, denoted p.Gln1231HisfsX3. This variant is predicted to cause loss of normal protein function either through protein truncation or nonsense-mediated mRNA decay. The c.3693_3696delGTCA variant is not observed at a significant frequency in large population cohorts (Lek et al., 2016). We interpret c.3693_3696delGTCA as a pathogenic variant.

Baylor Genetics
Classification: Pathogenic for Peroxisome biogenesis disorder 1A (Zellweger); Peroxisome biogenesis disorder 1B. Review status: criteria provided, single submitter. Criteria: ACMG Guidelines, 2015. Collection method: clinical testing. Allele origin: germline.

Counsyl
Classification: Likely pathogenic for Zellweger syndrome. Last evaluated: 2014-09-25. Review status: no assertion criteria provided. Collection method: literature only. Allele origin: unknown. Inheritance: Autosomal recessive inheritance. Not counted in ClinVar's aggregate classification.

Literature cited by the submitters: PubMed 19105186 (cited by 4 submitters); PubMed 21031596 (cited by Labcorp Genetics (formerly Invitae), Labcorp and Counsyl); PubMed 26387595 (cited by Labcorp Genetics (formerly Invitae), Labcorp); PubMed 31831025 (cited by Labcorp Genetics (formerly Invitae), Labcorp); PubMed 16141001 (cited by 3 submitters); PubMed 33708531 (cited by Women's Health and Genetics/Laboratory Corporation of America, LabCorp).

NM_000466.3(PEX1):c.3693_3696del (p.Gln1231fs)

Genes: GATAD1 (GATA zinc finger domain containing 1; plus strand), PEX1 (peroxisomal biogenesis factor 1; minus strand). Cytogenetic location: 7q21.2.
Variant type: Microsatellite.
Coding change: c.3693_3696del on transcript NM_000466.3 (MANE Select); coding-DNA positions 3693 to 3696, 4 bases deleted (GTCA; older notation c.3693_3696delGTCA).
Protein change: p.Gln1231fs; shifts the reading frame from glutamine 1231.
Molecular consequence: frameshift variant.
Genome position (GRCh38, 1-based): chr7:92,489,364-92,489,367, TGAC deleted on the plus strand (GTCA on the coding strand, the reverse complement: PEX1 is on the minus strand); deleting any 4 consecutive bases within chr7:92,489,364-92,489,372 gives the same sequence; the c. name uses the placement nearest the transcript's 3' end. VCF-style (leftmost placement, unchanged base first): chr7-92489363-GTGAC-G. GRCh37 (hg19) VCF-style: chr7-92118677-GTGAC-G.
Other names: c.3693_3696del (NM_000466.2); c.3522_3525del, p.Gln1174fs (NM_001282677.2); c.3069_3072del, p.Gln1023fs (NM_001282678.2); short protein forms Q1174fs, Q1231fs, Q1023fs.
Identifiers: ClinVar variation 188981 (VCV000188981.26), dbSNP rs769836601, ClinGen allele CA274212.